The following is an entry in ClinVar:

ClinVar aggregate classification (germline): Uncertain significance (1 of 4 stars; one submission).

Conditions:
RASopathy. Also called: rasopathies; Noonan spectrum disorder. Identifiers: Orphanet 536391, MedGen C5555857, MONDO:0021060.

gnomAD v4.1: 1 of 1,614,064 alleles (0.000062%); highest among the groups gnomAD compares: Non-Finnish European, 0.000085%; no homozygotes.

Submission:

Labcorp Genetics (formerly Invitae), Labcorp
Classification: Uncertain significance for RASopathy. Last evaluated: 2023-05-02. Review status: criteria provided, single submitter. Criteria: Invitae Variant Classification Sherloc (09022015). Collection method: clinical testing. Allele origin: germline.
Comment: This sequence change replaces phenylalanine, which is neutral and non-polar, with leucine, which is neutral and non-polar, at codon 174 of the CBL protein (p.Phe174Leu). This variant is not present in population databases (gnomAD no frequency). This variant has not been reported in the literature in individuals affected with CBL-related conditions. Advanced modeling of protein sequence and biophysical properties (such as structural, functional, and spatial information, amino acid conservation, physicochemical variation, residue mobility, and thermodynamic stability) has been performed at Invitae for this missense variant, however the output from this modeling did not meet the statistical confidence thresholds required to predict the impact of this variant on CBL protein function. In summary, the available evidence is currently insufficient to determine the role of this variant in disease. Therefore, it has been classified as a Variant of Uncertain Significance.

NM_005188.4(CBL):c.522T>G (p.Phe174Leu)

Gene: CBL (Cbl proto-oncogene; plus strand). Cytogenetic location: 11q23.3.
Variant type: single nucleotide variant.
Coding change: c.522T>G on transcript NM_005188.4 (MANE Select); coding-DNA position 522, T replaced by G.
Protein change: p.Phe174Leu; replaces phenylalanine 174 with leucine.
Molecular consequence: missense variant.
Genome position (GRCh38, 1-based): chr11:119,271,813, T>G. VCF-style: chr11-119271813-T-G. GRCh37 (hg19) VCF-style: chr11-119142523-T-G.
Other names: short protein forms F174L.
Identifiers: ClinVar variation 2803077 (VCV002803077.3), dbSNP rs727502912, ClinGen allele CA382907516.